The following is an entry in ClinVar:

ClinVar aggregate classification (germline): Uncertain significance (1 of 4 stars; one submission).

Conditions:
Immunodeficiency-centromeric instability-facial anomalies syndrome 2 (ICF2). Identifiers: Orphanet 2268, MedGen C3279748, MONDO:0013553, OMIM 614069.

Allele frequency attached by ClinVar (database versions not stated): gnomAD exomes 0.00001.

Submission:

Labcorp Genetics (formerly Invitae), Labcorp
Classification: Uncertain significance for Immunodeficiency-centromeric instability-facial anomalies syndrome 2. Last evaluated: 2019-10-06. Review status: criteria provided, single submitter. Criteria: Invitae Variant Classification Sherloc (09022015). Collection method: clinical testing. Allele origin: germline.
Comment: This sequence change replaces histidine with aspartic acid at codon 276 of the ZBTB24 protein (p.His276Asp). The histidine residue is weakly conserved and there is a moderate physicochemical difference between histidine and aspartic acid. This variant is not present in population databases (ExAC no frequency). This variant has not been reported in the literature in individuals with ZBTB24-related conditions. Algorithms developed to predict the effect of missense changes on protein structure and function (SIFT, PolyPhen-2, Align-GVGD) all suggest that this variant is likely to be tolerated, but these predictions have not been confirmed by published functional studies and their clinical significance is uncertain. In summary, the available evidence is currently insufficient to determine the role of this variant in disease. Therefore, it has been classified as a Variant of Uncertain Significance.

NM_014797.3(ZBTB24):c.826C>G (p.His276Asp)

Gene: ZBTB24 (zinc finger and BTB domain containing 24; minus strand). Cytogenetic location: 6q21.
Variant type: single nucleotide variant.
Coding change: c.826C>G on transcript NM_014797.3 (MANE Select); coding-DNA position 826, C replaced by G.
Protein change: p.His276Asp; replaces histidine 276 with aspartic acid.
Molecular consequence: missense variant.
Genome position (GRCh38, 1-based): chr6:109,481,201, G>C on the plus strand (C>G on the coding strand, the complement: ZBTB24 is on the minus strand). VCF-style: chr6-109481201-G-C. GRCh37 (hg19) VCF-style: chr6-109802404-G-C.
Other names: c.826C>G, p.His276Asp (NM_001164313.2); short protein forms H276D.
Identifiers: ClinVar variation 969164 (VCV000969164.1), dbSNP rs774946276, ClinGen allele CA365207980.
Genomic context (GRCh38, chr6:109,481,201, plus strand): 5'-AGCGGGCCTCAGGGCCTCCAGGGCGCTTTCTCCTTCCACAGATCCTCTTGGCTGAACCAT[G>C]GTCCTCTTGATCCCCAACAAGTTTGTAATCTTTAAGTTTGACGGATCTCCAAATCCTCCG-3'
Protein context (NP_055612.2, residues 266-286): DYKLVGDQED[His276Asp]GSAKRICGRR